The following is an entry in ClinVar:

NM_181507.2(HPS5):c.*70C>T

Gene: HPS5 (HPS5 biogenesis of lysosomal organelles complex 2 subunit 2; minus strand). Cytogenetic location: 11p15.1.
Variant type: single nucleotide variant.
Coding change: c.*70C>T on transcript NM_181507.2 (MANE Select); 70 bases downstream of the stop codon, C replaced by T.
Molecular consequence: 3 prime UTR variant.
Genome position (GRCh38, 1-based): chr11:18,279,812, G>A on the plus strand (C>T on the coding strand, the complement: HPS5 is on the minus strand). VCF-style: chr11-18279812-G-A. GRCh37 (hg19) VCF-style: chr11-18301359-G-A.
Other names: c.*70C>T (NM_007216.4, NM_181508.2).
Identifiers: ClinVar variation 303864 (VCV000303864.6), dbSNP rs371535842, ClinGen allele CA10638660.

ClinVar aggregate classification (germline): Likely benign. Review status: criteria provided, multiple submitters, no conflicts (2 of 4 stars). 2 submissions from 2 submitters: Likely benign (2). Last evaluated 2018-01-13.

Conditions:
Hermansky-Pudlak syndrome 5 (HPS5). Identifiers: Orphanet 231512, Orphanet 79430, MedGen C3888004, MONDO:0013557, OMIM 614074.

Allele frequency attached by ClinVar (database versions not stated): ESP Exome Variant Server 0.00044; gnomAD 0.00087 and 0.00098; TOPMed 0.00104; gnomAD exomes 0.00137; 1000 Genomes Project 30x 0.00141; 1000 Genomes Project 0.00180.
gnomAD v4.1: 1,983 of 1,440,388 alleles (0.14%); highest among the groups gnomAD compares: South Asian, 0.77%; 20 homozygotes.

Submissions (2):

Illumina Laboratory Services, Illumina
Classification: Likely benign for Hermansky-Pudlak syndrome 5. Last evaluated: 2018-01-13. Review status: criteria provided, single submitter. Criteria: ICSL Variant Classification Criteria 13 December 2019. Collection method: clinical testing. Allele origin: germline.
Comment: This variant was observed in the ICSL laboratory as part of a predisposition screen in an ostensibly healthy population. It had not been previously curated by ICSL or reported in the Human Gene Mutation Database (HGMD: prior to June 1st, 2018), and was therefore a candidate for classification through an automated scoring system. Utilizing variant allele frequency, disease prevalence and penetrance estimates, and inheritance mode, an automated score was calculated to assess if this variant is too frequent to cause the disease. Based on the score and internal cut-off values, a variant classified as likely benign is not then subjected to further curation. The score for this variant resulted in a classification of likely benign for this disease.

Breakthrough Genomics
Classification: Likely benign. Review status: criteria provided, single submitter. Criteria: ACMG Guidelines, 2015. Collection method: not provided. Allele origin: germline. Inheritance: Autosomal recessive inheritance. Affected: yes.